The following is an entry in ClinVar:

NM_001999.4(FBN2):c.1510C>T (p.Leu504Phe)

Gene: FBN2 (fibrillin 2; minus strand). Cytogenetic location: 5q23.3.
Variant type: single nucleotide variant.
Coding change: c.1510C>T on transcript NM_001999.4 (MANE Select); coding-DNA position 1510, C replaced by T.
Protein change: p.Leu504Phe; replaces leucine 504 with phenylalanine.
Molecular consequence: missense variant.
Genome position (GRCh38, 1-based): chr5:128,392,111, G>A on the plus strand (C>T on the coding strand, the complement: FBN2 is on the minus strand). VCF-style: chr5-128392111-G-A. GRCh37 (hg19) VCF-style: chr5-127727804-G-A.
Other names: short protein forms L504F.
Identifiers: ClinVar variation 4770516 (VCV004770516.1).

ClinVar aggregate classification (germline): Uncertain significance (1 of 4 stars; one submission).

Conditions:
Congenital contractural arachnodactyly (CCA). Also called: BEALS SYNDROME; Arthrogryposis, distal, type 9; Beals-Hecht syndrome. Identifiers: Orphanet 115, MedGen C0220668, MONDO:0007363, OMIM 121050.

gnomAD v4.1: 2 of 1,613,470 alleles (0.00012%); highest among the groups gnomAD compares: Admixed American, 0.0017%; no homozygotes.

Submission:

Labcorp Genetics (formerly Invitae), Labcorp
Classification: Uncertain significance for Congenital contractural arachnodactyly. Last evaluated: 2025-03-04. Review status: criteria provided, single submitter. Criteria: Invitae Variant Classification Sherloc (09022015). Collection method: clinical testing. Allele origin: germline.
Comment: This sequence change replaces leucine, which is neutral and non-polar, with phenylalanine, which is neutral and non-polar, at codon 504 of the FBN2 protein (p.Leu504Phe). This variant is not present in population databases (gnomAD no frequency). This variant has not been reported in the literature in individuals affected with FBN2-related conditions. Invitae Evidence Modeling of protein sequence and biophysical properties (such as structural, functional, and spatial information, amino acid conservation, physicochemical variation, residue mobility, and thermodynamic stability) has been performed for this missense variant. However, the output from this modeling did not meet the statistical confidence thresholds required to predict the impact of this variant on FBN2 protein function. In summary, the available evidence is currently insufficient to determine the role of this variant in disease. Therefore, it has been classified as a Variant of Uncertain Significance.